The following is an entry in ClinVar:

NM_020297.4(ABCC9):c.3562T>C (p.Phe1188Leu)

Gene: ABCC9 (ATP binding cassette subfamily C member 9; minus strand). Cytogenetic location: 12p12.1.
Variant type: single nucleotide variant.
Coding change: c.3562T>C on transcript NM_020297.4 (MANE Select); coding-DNA position 3562, T replaced by C.
Protein change: p.Phe1188Leu; replaces phenylalanine 1188 with leucine.
Molecular consequence: missense variant.
Genome position (GRCh38, 1-based): chr12:21,838,082, A>G on the plus strand (T>C on the coding strand, the complement: ABCC9 is on the minus strand). VCF-style: chr12-21838082-A-G. GRCh37 (hg19) VCF-style: chr12-21991016-A-G.
Other names: c.3562T>C, p.Phe1188Leu (NM_001377273.1, NM_005691.4); c.2695T>C, p.Phe899Leu (NM_001377274.1); short protein forms F1188L, F899L.
Identifiers: ClinVar variation 5024423 (VCV005024423.1).
Genomic context (GRCh38, chr12:21,838,082, plus strand): 5'-ATATTTGTTGATGATGTTATTGCCTAGTCAGCTAATATAAAAATGTGTTTACTCACCTAA[A>G]GGCCCGAATGGTGGTGAGTCCTTCTGCTGTTTCTGAGAAGTGACAGAGCAGAGGGAGCTG-3'
Protein context (NP_064693.2, residues 1178-1198): TAEGLTTIRA[Phe1188Leu]RHETRFKQRM

ClinVar aggregate classification (germline): Uncertain significance (1 of 4 stars; one submission).

Conditions:
Cardiovascular phenotype. Identifiers: MedGen CN230736.

gnomAD v4.1: 1 of 1,613,118 alleles (0.000062%); highest among the groups gnomAD compares: Non-Finnish European, 0.000085%; no homozygotes.

Submission:

Ambry Genetics
Classification: Uncertain significance for Cardiovascular phenotype. Last evaluated: 2026-07-10. Review status: criteria provided, single submitter. Criteria: Ambry Variant Classification Scheme 2023. Collection method: clinical testing. Allele origin: germline.
Comment: The p.F1188L variant (also known as c.3562T>C), located in coding exon 28 of the ABCC9 gene, results from a T to C substitution at nucleotide position 3562. The phenylalanine at codon 1188 is replaced by leucine, an amino acid with highly similar properties. This amino acid position is conserved. In addition, this alteration is predicted to be deleterious by in silico analysis. Based on the available evidence, the clinical significance of this variant remains unclear.